The following is an entry in ClinVar:

ClinVar aggregate classification (germline): Uncertain significance (1 of 4 stars; one submission).

Submission:

Ambry Genetics
Classification: Uncertain significance. Last evaluated: 2025-05-15. Review status: criteria provided, single submitter. Criteria: Ambry Variant Classification Scheme 2023. Collection method: clinical testing. Allele origin: germline.
Comment: The p.S596G variant (also known as c.1786A>G), located in coding exon 13 of the GEN1 gene, results from an A to G substitution at nucleotide position 1786. The serine at codon 596 is replaced by glycine, an amino acid with similar properties. This amino acid position is conserved. In addition, this alteration is predicted to be tolerated by in silico analysis. Based on the available evidence, the clinical significance of this variant remains unclear.

NM_001130009.3(GEN1):c.1786A>G (p.Ser596Gly)

Gene: GEN1 (GEN1 Holliday junction 5' flap endonuclease; plus strand). Cytogenetic location: 2p24.2.
Variant type: single nucleotide variant.
Coding change: c.1786A>G on transcript NM_001130009.3 (MANE Select); coding-DNA position 1786, A replaced by G.
Protein change: p.Ser596Gly; replaces serine 596 with glycine.
Molecular consequence: missense variant.
Genome position (GRCh38, 1-based): chr2:17,780,998, A>G. VCF-style: chr2-17780998-A-G. GRCh37 (hg19) VCF-style: chr2-17962265-A-G.
Other names: c.1786A>G, p.Ser596Gly (NM_182625.5); short protein forms S596G.
Identifiers: ClinVar variation 4029293 (VCV004029293.1).